The following is an entry in ClinVar:

ClinVar aggregate classification (germline): Conflicting classifications of pathogenicity. Review status: criteria provided, conflicting classifications (1 of 4 stars). 2 submissions from 2 submitters: Uncertain significance (1); Likely benign (1). Last evaluated 2023-03-23.

Conditions:
Hereditary breast ovarian cancer syndrome. Also called: Hereditary breast and ovarian cancer syndrome; Hereditary breast and/or ovarian cancer syndrome; Hereditary breast and ovarian cancer syndrome (HBOC); Breast and ovarian cancer; BRCA1- and BRCA2-Associated Hereditary Breast and Ovarian Cancer; Hereditary breast and ovarian cancer. Identifiers: Orphanet 145, MedGen C0677776, MeSH D061325, MONDO:0003582. Disease mechanism: loss of function.
Hereditary cancer-predisposing syndrome. Also called: Neoplastic Syndromes, Hereditary; Hereditary Cancer Syndrome; Tumor predisposition; Hereditary neoplastic syndrome. Identifiers: Orphanet 140162, MedGen C0027672, MeSH D009386, MONDO:0015356.

Submissions (2):

University of Washington Department of Laboratory Medicine, University of Washington
Classification: Likely benign for Hereditary cancer-predisposing syndrome. Last evaluated: 2023-03-23. Review status: criteria provided, single submitter. Criteria: Dines et al. (Genet Med. 2020). Collection method: curation. Allele origin: germline.
Comment: Missense variant in a coldspot region where missense variants are very unlikely to be pathogenic (PMID:31911673).

BRCA2 exon 11 coldspot. Reclassification based on statistical prior probability.

Labcorp Genetics (formerly Invitae), Labcorp
Classification: Uncertain significance for Hereditary breast ovarian cancer syndrome. Last evaluated: 2018-05-15. Review status: criteria provided, single submitter. Criteria: Invitae Variant Classification Sherloc (09022015). Collection method: clinical testing. Allele origin: germline.
Comment: This variant is not present in population databases (ExAC no frequency). This variant has not been reported in the literature in individuals with BRCA2-related disease. Algorithms developed to predict the effect of missense changes on protein structure and function are either unavailable or do not agree on the potential impact of this missense change (SIFT: "Deleterious"; PolyPhen-2: "Probably Damaging"; Align-GVGD: "Class C0"). In summary, the available evidence is currently insufficient to determine the role of this variant in disease. Therefore, it has been classified as a Variant of Uncertain Significance. This sequence change replaces asparagine with isoleucine at codon 1330 of the BRCA2 protein (p.Asn1330Ile). The asparagine residue is weakly conserved and there is a large physicochemical difference between asparagine and isoleucine.

NM_000059.4(BRCA2):c.3989A>T (p.Asn1330Ile)

Gene: BRCA2 (BRCA2 DNA repair associated; plus strand). Cytogenetic location: 13q13.1.
Variant type: single nucleotide variant.
Coding change: c.3989A>T on transcript NM_000059.4 (MANE Select); coding-DNA position 3989, A replaced by T.
Protein change: p.Asn1330Ile; replaces asparagine 1330 with isoleucine.
Molecular consequence: missense variant.
Genome position (GRCh38, 1-based): chr13:32,338,344, A>T. VCF-style: chr13-32338344-A-T. GRCh37 (hg19) VCF-style: chr13-32912481-A-T.
Other names: short protein forms N1330I.
Identifiers: ClinVar variation 582077 (VCV000582077.10), dbSNP rs1057520792, ClinGen allele CA387778971.